The following is an entry in ClinVar:

ClinVar aggregate classification (germline): Uncertain significance (1 of 4 stars; one submission).

Conditions:
Inborn genetic diseases. Identifiers: MedGen C0950123, MeSH D030342.

Submission:

Ambry Genetics
Classification: Uncertain significance for Inborn genetic diseases. Last evaluated: 2025-12-03. Review status: criteria provided, single submitter. Criteria: Ambry Variant Classification Scheme 2023. Collection method: clinical testing. Allele origin: germline.
Comment: The p.P470L variant (also known as c.1409C>T), located in coding exon 1 of the SAMD9L gene, results from a C to T substitution at nucleotide position 1409. The proline at codon 470 is replaced by leucine, an amino acid with similar properties. This amino acid position is conserved. In addition, this alteration is predicted to be tolerated by in silico analysis. Based on the available evidence, the clinical significance of this variant remains unclear.

NM_152703.5(SAMD9L):c.1409C>T (p.Pro470Leu)

Gene: SAMD9L (sterile alpha motif domain containing 9 like; minus strand). Cytogenetic location: 7q21.2.
Variant type: single nucleotide variant.
Coding change: c.1409C>T on transcript NM_152703.5 (MANE Select); coding-DNA position 1409, C replaced by T.
Protein change: p.Pro470Leu; replaces proline 470 with leucine.
Molecular consequence: missense variant.
Genome position (GRCh38, 1-based): chr7:93,134,563, G>A on the plus strand (C>T on the coding strand, the complement: SAMD9L is on the minus strand). VCF-style: chr7-93134563-G-A. GRCh37 (hg19) VCF-style: chr7-92763876-G-A.
Other names: c.1409C>T, p.Pro470Leu (NM_001303496.3, NM_001303497.3, NM_001303498.3 and 5 more transcripts); short protein forms P470L.
Identifiers: ClinVar variation 4630156 (VCV004630156.1).